The following is an entry in ClinVar:

NM_015378.4(VPS13D):c.4213A>G (p.Ile1405Val)

Gene: VPS13D (vacuolar protein sorting 13 homolog D; plus strand). Cytogenetic location: 1p36.22.
Variant type: single nucleotide variant.
Coding change: c.4213A>G on transcript NM_015378.4 (MANE Select); coding-DNA position 4213, A replaced by G.
Protein change: p.Ile1405Val; replaces isoleucine 1405 with valine.
Molecular consequence: missense variant.
Genome position (GRCh38, 1-based): chr1:12,277,801, A>G. VCF-style: chr1-12277801-A-G. GRCh37 (hg19) VCF-style: chr1-12337858-A-G.
Other names: c.4213A>G, p.Ile1405Val (NM_018156.4); short protein forms I1405V.
Identifiers: ClinVar variation 2182334 (VCV002182334.4), dbSNP rs149021275, ClinGen allele CA602088.

ClinVar aggregate classification (germline): Uncertain significance (1 of 4 stars; one submission).

Allele frequency attached by ClinVar (database versions not stated): TOPMed below 0.00001; ExAC 0.00001; gnomAD 0.00001; gnomAD exomes 0.00002; 1000 Genomes Project 30x 0.00016; 1000 Genomes Project 0.00020.
gnomAD v4.1: 32 of 1,614,204 alleles (0.002%); highest among the groups gnomAD compares: Non-Finnish European, 0.0027%; no homozygotes.

Submission:

Labcorp Genetics (formerly Invitae), Labcorp
Classification: Uncertain significance. Last evaluated: 2022-06-02. Review status: criteria provided, single submitter. Criteria: Invitae Variant Classification Sherloc (09022015). Collection method: clinical testing. Allele origin: germline.
Comment: This sequence change replaces isoleucine, which is neutral and non-polar, with valine, which is neutral and non-polar, at codon 1405 of the VPS13D protein (p.Ile1405Val). This variant is present in population databases (rs149021275, gnomAD 0.002%). This variant has not been reported in the literature in individuals affected with VPS13D-related conditions. Algorithms developed to predict the effect of missense changes on protein structure and function are either unavailable or do not agree on the potential impact of this missense change (SIFT: "Tolerated"; PolyPhen-2: "Possibly Damaging"; Align-GVGD: "Class C0"). In summary, the available evidence is currently insufficient to determine the role of this variant in disease. Therefore, it has been classified as a Variant of Uncertain Significance.